The following is an entry in ClinVar:

NM_201384.3(PLEC):c.2178+10G>A

Gene: PLEC (plectin; minus strand). Cytogenetic location: 8q24.3.
Variant type: single nucleotide variant.
Coding change: c.2178+10G>A on transcript NM_201384.3 (MANE Select); 10 bases into the intron after coding-DNA position 2178, G replaced by A.
Molecular consequence: intron variant.
Genome position (GRCh38, 1-based): chr8:143,931,927, C>T on the plus strand (G>A on the coding strand, the complement: PLEC is on the minus strand). VCF-style: chr8-143931927-C-T. GRCh37 (hg19) VCF-style: chr8-145006095-C-T.
Other names: c.2259+10G>A (NM_000445.5); c.2136+10G>A (NM_201378.4); c.2112+10G>A (NM_201379.3); c.2589+10G>A (NM_201380.4); c.2082+10G>A (NM_201381.3); c.2178+10G>A (NM_201382.4); c.2190+10G>A (NM_201383.3).
Identifiers: ClinVar variation 391741 (VCV000391741.15), dbSNP rs781817693, ClinGen allele CA4927631.
Genomic context (GRCh38, chr8:143,931,927, plus strand): 5'-GCCGAGGGGGTCCAGGGGCTCCTGCAAGGCTGCCGCTGAGCCACAGTGCGGAGGGGGCTC[C>T]GGTTCTCACCTGAAAGTAGGCAGCGTTCTCCTTCAGGTGTGCCTCGATACAGCAGCACAG-3'

ClinVar aggregate classification (germline): Conflicting classifications of pathogenicity. Review status: criteria provided, conflicting classifications (1 of 4 stars). 5 submissions from 5 submitters: Uncertain significance (1); Likely benign (4). Last evaluated 2026-05-23.

Conditions:
PLEC-related disorder. Also called: PLEC-related disorders; PLEC-related condition.
Autosomal recessive limb-girdle muscular dystrophy type 2Q (LGMDR17). Also called: MUSCULAR DYSTROPHY, LIMB-GIRDLE, AUTOSOMAL RECESSIVE 17. Identifiers: Orphanet 254361, MedGen C3150989, MONDO:0013390, OMIM 613723.
Epidermolysis bullosa simplex 5B, with muscular dystrophy (EBS5B). Also called: EPIDERMOLYSIS BULLOSA SIMPLEX AND LIMB-GIRDLE MUSCULAR DYSTROPHY; Epidermolysis bullosa simplex with muscular dystrophy. Identifiers: Orphanet 257, MedGen C2931072, MONDO:0009181, OMIM 226670.
Epidermolysis bullosa simplex with nail dystrophy (EBS5D). Identifiers: MedGen C4225309, MONDO:0014661, OMIM 616487.
Epidermolysis bullosa simplex, Ogna type (EBS5A). Also called: Pidermolysis bullosa simplex 5A, Ogna type; EPIDERMOLYSIS BULLOSA SIMPLEX 5A, OGNA TYPE. Identifiers: Orphanet 79401, MedGen C0432317, MONDO:0007555, OMIM 131950.
Epidermolysis bullosa simplex 5C, with pyloric atresia (EBS5C). Also called: PLEC1-Related Epidermolysis Bullosa with Pyloric Atresia; PLEC-Related Epidermolysis Bullosa with Pyloric Atresia; Epidermolysis bullosa simplex with pyloric atresia. Identifiers: Orphanet 158684, MedGen C2677349, MONDO:0012807, OMIM 612138.

Allele frequency attached by ClinVar (database versions not stated): TOPMed 0.00003; gnomAD exomes 0.00004; gnomAD 0.00007; ExAC 0.00010.
gnomAD v4.1: 70 of 1,599,268 alleles (0.0044%); highest among the groups gnomAD compares: Non-Finnish European, 0.0054%; no homozygotes.

Submissions (5):

PreventionGenetics, part of Exact Sciences
Classification: Likely benign for PLEC-related condition. Last evaluated: 2026-05-23. Review status: criteria provided, single submitter. Criteria: ACMG Guidelines, 2015. Collection method: clinical testing. Allele origin: germline.
Comment: This variant is classified as likely benign based on ACMG/AMP sequence variant interpretation guidelines (Richards et al. 2015 PMID: 25741868, with internal and published modifications).

Labcorp Genetics (formerly Invitae), Labcorp
Classification: Likely benign for Autosomal recessive limb-girdle muscular dystrophy type 2Q; Epidermolysis bullosa simplex, Ogna type; Epidermolysis bullosa simplex with nail dystrophy; Epidermolysis bullosa simplex 5C, with pyloric atresia; Epidermolysis bullosa simplex 5B, with muscular dystrophy. Last evaluated: 2026-01-22. Review status: criteria provided, single submitter. Criteria: Invitae Variant Classification Sherloc (09022015). Collection method: clinical testing. Allele origin: germline.

Blueprint Genetics
Classification: Likely benign. Last evaluated: 2024-10-03. Review status: criteria provided, single submitter. Criteria: ACMG Guidelines, 2015. Collection method: clinical testing. Allele origin: germline.

Eurofins Ntd Llc (ga)
Classification: Uncertain significance. Last evaluated: 2018-07-19. Review status: criteria provided, single submitter. Criteria: EGL ClinVar v180209 classification definitions. Collection method: clinical testing. Allele origin: germline. Observed: 2 variant alleles, 2 heterozygotes.

GeneDx
Classification: Likely benign. Last evaluated: 2016-12-20. Review status: criteria provided, single submitter. Criteria: GeneDx Variant Classification (06012015). Collection method: clinical testing. Allele origin: germline. Affected: yes.
Comment: This variant is considered likely benign or benign based on one or more of the following criteria: it is a conservative change, it occurs at a poorly conserved position in the protein, it is predicted to be benign by multiple in silico algorithms, and/or has population frequency not consistent with disease.